The following is an entry in ClinVar:

ClinVar aggregate classification (germline): Likely benign. Review status: criteria provided, multiple submitters, no conflicts (2 of 4 stars). 2 submissions from 2 submitters: Likely benign (2). Last evaluated 2026-01-21.

Conditions:
Catecholaminergic polymorphic ventricular tachycardia (CVPT). Also called: Catecholamine-induced polymorphic ventricular tachycardia. Identifiers: Orphanet 3286, MedGen C5574922, MONDO:0017990.
Catecholaminergic polymorphic ventricular tachycardia 1. Also called: VENTRICULAR TACHYCARDIA, STRESS-INDUCED POLYMORPHIC 1; VENTRICULAR TACHYCARDIA, CATECHOLAMINERGIC POLYMORPHIC, 1, WITH OR WITHOUT ATRIAL DYSFUNCTION AND/OR DILATED CARDIOMYOPATHY; RYR2-Related Catecholaminergic Polymorphic Ventricular Tachycardia. Identifiers: Orphanet 3286, MedGen C1631597, MONDO:0011484, OMIM 604772.

Allele frequency attached by ClinVar (database versions not stated): gnomAD exomes below 0.00001; TOPMed below 0.00001; ExAC 0.00002; ESP Exome Variant Server 0.00008.
gnomAD v4.1: 4 of 1,613,780 alleles (0.00025%); highest among the groups gnomAD compares: African/African-American, 0.0013%; no homozygotes.

Submissions (2):

Labcorp Genetics (formerly Invitae), Labcorp
Classification: Likely benign for Catecholaminergic polymorphic ventricular tachycardia 1. Last evaluated: 2026-01-21. Review status: criteria provided, single submitter. Criteria: Invitae Variant Classification Sherloc (09022015). Collection method: clinical testing. Allele origin: germline.

All of Us Research Program, National Institutes of Health
Classification: Likely benign for Catecholaminergic polymorphic ventricular tachycardia. Last evaluated: 2024-03-14. Review status: criteria provided, single submitter. Criteria: ACMG Guidelines, 2015. Collection method: clinical testing. Allele origin: germline. Inheritance: Autosomal dominant inheritance. Observed: 1 variant allele, 1 heterozygote.
Comment: This study involves interpretation of variants in research participants for the purpose of population health screening. Participant phenotype was not available at the time of variant classification. Additional details can be found in publication PMID: 35346344, PMCID: PMC8962531

NM_001035.3(RYR2):c.13131G>A (p.Ser4377=)

Genes: RYR2 (ryanodine receptor 2; plus strand), LOC126806068 (BRD4-independent group 4 enhancer GRCh37_chr1:237947411-237948610; plus strand). Cytogenetic location: 1q43.
Variant type: single nucleotide variant.
Coding change: c.13131G>A on transcript NM_001035.3 (MANE Select); coding-DNA position 13131, G replaced by A.
Protein change: p.Ser4377=; no amino-acid change (serine 4377 retained).
Molecular consequence: synonymous variant.
Genome position (GRCh38, 1-based): chr1:237,784,843, G>A. VCF-style: chr1-237784843-G-A. GRCh37 (hg19) VCF-style: chr1-237948143-G-A.
Identifiers: ClinVar variation 2054250 (VCV002054250.5), dbSNP rs375816494, ClinGen allele CA085299.